The following is an entry in ClinVar:

NM_001267550.2(TTN):c.95371G>C (p.Gly31791Arg)

Genes: TTN-AS1 (TTN antisense RNA 1; plus strand), TTN (titin; minus strand). Cytogenetic location: 2q31.2.
Variant type: single nucleotide variant.
Coding change: c.95371G>C on transcript NM_001267550.2 (MANE Select); coding-DNA position 95371, G replaced by C.
Protein change: p.Gly31791Arg; replaces glycine 31791 with arginine.
Molecular consequence: missense variant.
Genome position (GRCh38, 1-based): chr2:178,545,865, C>G on the plus strand (G>C on the coding strand, the complement: TTN is on the minus strand). VCF-style: chr2-178545865-C-G. GRCh37 (hg19) VCF-style: chr2-179410592-C-G.
Other names: c.90448G>C, p.Gly30150Arg (NM_001256850.1); c.68176G>C, p.Gly22726Arg (NM_003319.4); c.87667G>C, p.Gly29223Arg (NM_133378.4); c.68551G>C, p.Gly22851Arg (NM_133432.3); c.68752G>C, p.Gly22918Arg (NM_133437.4); short protein forms G22918R, G29223R, G22726R, G30150R, G22851R, G31791R.
Identifiers: ClinVar variation 857797 (VCV000857797.8), dbSNP rs1696856005, ClinGen allele CA349462464.

ClinVar aggregate classification (germline): Uncertain significance (1 of 4 stars; one submission).

Conditions:
Dilated cardiomyopathy 1G (CMD1G). Identifiers: Orphanet 154, MedGen C1858763, MONDO:0011400, OMIM 604145.
Autosomal recessive limb-girdle muscular dystrophy type 2J (LGMDR10). Also called: Limb-girdle muscular dystrophy, type 2J; MUSCULAR DYSTROPHY, LIMB-GIRDLE, AUTOSOMAL RECESSIVE 10. Identifiers: Orphanet 140922, MedGen C1837342, MONDO:0012127, OMIM 608807.

Submission:

Labcorp Genetics (formerly Invitae), Labcorp
Classification: Uncertain significance for Dilated cardiomyopathy 1G; Autosomal recessive limb-girdle muscular dystrophy type 2J. Last evaluated: 2025-09-02. Review status: criteria provided, single submitter. Criteria: Invitae Variant Classification Sherloc (09022015). Collection method: clinical testing. Allele origin: germline.
Comment: This sequence change replaces glycine, which is neutral and non-polar, with arginine, which is basic and polar, at codon 31791 of the TTN protein (p.Gly31791Arg). This variant is not present in population databases (gnomAD no frequency). This missense change has been observed in individuals with hereditary myopathy with early respiratory failure (HMERF) or distal myopathy (PMID: 25253871, 25783436). This variant is also known as c.87667G>C (p.Gly29223Arg). ClinVar contains an entry for this variant (Variation ID: 857797). Experimental studies and prediction algorithms are not available or were not evaluated, and the functional significance of this variant is currently unknown. This variant is located in the A band of TTN (PMID: 25589632). Variants in this region may be relevant for cardiac or neuromuscular disorders (PMID: 25589632, 23975875). In summary, the available evidence is currently insufficient to determine the role of this variant in disease. Therefore, it has been classified as a Variant of Uncertain Significance.

Literature cited by the submitters: PubMed 25253871; PubMed 25783436; PubMed 25589632; PubMed 23975875.